The following is an entry in ClinVar:

ClinVar aggregate classification (germline): Uncertain significance. Review status: criteria provided, multiple submitters, no conflicts (2 of 4 stars). 2 submissions from 2 submitters: Uncertain significance (2). Last evaluated 2024-07-08.

Conditions:
Cardiomyopathy (CMYO). Also called: Cardiomyopathies. Identifiers: Orphanet 167848, MedGen C0878544, MONDO:0004994, HP:0001638. Inheritance: Various modes of inheritance.
Hypertrophic cardiomyopathy. Also called: HYPERTROPHIC MYOCARDIOPATHY. Identifiers: Orphanet 217569, MedGen C0007194, MeSH D002312, MONDO:0005045, HP:0001639.

Allele frequency attached by ClinVar (database versions not stated): TOPMed 0.00001.

Submissions (2):

Labcorp Genetics (formerly Invitae), Labcorp
Classification: Uncertain significance for Hypertrophic cardiomyopathy. Last evaluated: 2024-07-08. Review status: criteria provided, single submitter. Criteria: Invitae Variant Classification Sherloc (09022015). Collection method: clinical testing. Allele origin: germline.
Comment: This sequence change replaces aspartic acid, which is acidic and polar, with glycine, which is neutral and non-polar, at codon 1068 of the MYH7 protein (p.Asp1068Gly). This variant is not present in population databases (gnomAD no frequency). This variant has not been reported in the literature in individuals affected with MYH7-related conditions. ClinVar contains an entry for this variant (Variation ID: 1038805). Advanced modeling of protein sequence and biophysical properties (such as structural, functional, and spatial information, amino acid conservation, physicochemical variation, residue mobility, and thermodynamic stability) performed at Invitae indicates that this missense variant is expected to disrupt MYH7 protein function with a positive predictive value of 95%. In summary, the available evidence is currently insufficient to determine the role of this variant in disease. Therefore, it has been classified as a Variant of Uncertain Significance.

All of Us Research Program, National Institutes of Health
Classification: Uncertain significance for Cardiomyopathy. Last evaluated: 2024-03-24. Review status: criteria provided, single submitter. Criteria: ACMG Guidelines, 2015. Collection method: clinical testing. Allele origin: germline. Inheritance: Autosomal dominant inheritance. Observed: 1 variant allele, 1 heterozygote.
Comment: This missense variant replaces aspartic acid with glycine at codon 1068 of the MYH7 protein. Computational prediction suggests that this variant may have deleterious impact on protein structure and function (internally defined REVEL score threshold >= 0.7, PMID: 27666373). To our knowledge, functional studies have not been reported for this variant. This variant has not been reported in individuals affected with MYH7-related disorders in the literature. This variant has not been identified in the general population by the Genome Aggregation Database (gnomAD). The available evidence is insufficient to determine the role of this variant in disease conclusively. Therefore, this variant is classified as a Variant of Uncertain Significance.

This study involves interpretation of variants in research participants for the purpose of population health screening. Participant phenotype was not available at the time of variant classification. Additional details can be found in publication PMID: 35346344, PMCID: PMC8962531

NM_000257.4(MYH7):c.3203A>G (p.Asp1068Gly)

Gene: MYH7 (myosin heavy chain 7; minus strand). Cytogenetic location: 14q11.2.
Variant type: single nucleotide variant.
Coding change: c.3203A>G on transcript NM_000257.4 (MANE Select); coding-DNA position 3203, A replaced by G.
Protein change: p.Asp1068Gly; replaces aspartic acid 1068 with glycine.
Molecular consequence: missense variant.
Genome position (GRCh38, 1-based): chr14:23,422,222, T>C on the plus strand (A>G on the coding strand, the complement: MYH7 is on the minus strand). VCF-style: chr14-23422222-T-C. GRCh37 (hg19) VCF-style: chr14-23891431-T-C.
Other names: short protein forms D1068G.
Identifiers: ClinVar variation 1038805 (VCV001038805.9), dbSNP rs1892500486, ClinGen allele CA389045208.